The following is an entry in ClinVar:

NM_000264.5(PTCH1):c.3565G>T (p.Gly1189Cys)

Gene: PTCH1 (patched 1; minus strand). Cytogenetic location: 9q22.32.
Variant type: single nucleotide variant.
Coding change: c.3565G>T on transcript NM_000264.5 (MANE Select); coding-DNA position 3565, G replaced by T.
Protein change: p.Gly1189Cys; replaces glycine 1189 with cysteine.
Molecular consequence: missense variant. On other transcripts: non-coding transcript variant (1).
Genome position (GRCh38, 1-based): chr9:95,449,308, C>A on the plus strand (G>T on the coding strand, the complement: PTCH1 is on the minus strand). VCF-style: chr9-95449308-C-A. GRCh37 (hg19) VCF-style: chr9-98211590-C-A.
Other names: c.3367G>T, p.Gly1123Cys (NM_001083602.3); c.3562G>T, p.Gly1188Cys (NM_001083603.3); c.3112G>T, p.Gly1038Cys (NM_001083604.3, NM_001083605.3, NM_001083606.3 and 1 more transcripts); c.3409G>T, p.Gly1137Cys (NM_001354918.2); short protein forms G1189C, G1123C, G1038C, G1137C, G1188C.
Identifiers: ClinVar variation 567149 (VCV000567149.21), dbSNP rs767535853, ClinGen allele CA5138108.

ClinVar aggregate classification (germline): Conflicting classifications of pathogenicity. Review status: criteria provided, conflicting classifications (1 of 4 stars). 4 submissions from 4 submitters: Uncertain significance (2); Benign (1); Likely benign (1). Last evaluated 2025-02-02.

Conditions:
Hereditary cancer-predisposing syndrome. Also called: Neoplastic Syndromes, Hereditary; Tumor predisposition; Hereditary Cancer Syndrome; Hereditary neoplastic syndrome. Identifiers: Orphanet 140162, MedGen C0027672, MeSH D009386, MONDO:0015356.
Basal cell carcinoma, susceptibility to, 1. Also called: BCC1. Identifiers: MedGen C2751544, MONDO:0011556, OMIM 605462.
Gorlin syndrome. Also called: Nevoid Basal Cell Carcinoma Syndrome; Basal cell nevus syndrome. Identifiers: Orphanet 377, MedGen C0004779, MONDO:0007187.

Allele frequency attached by ClinVar (database versions not stated): TOPMed 0.00003.
gnomAD v4.1: 12 of 1,552,332 alleles (0.00077%); highest among the groups gnomAD compares: African/African-American, 0.015%; no homozygotes.

Submissions (4):

Labcorp Genetics (formerly Invitae), Labcorp
Classification: Benign for Gorlin syndrome. Last evaluated: 2025-02-02. Review status: criteria provided, single submitter. Criteria: Invitae Variant Classification Sherloc (09022015). Collection method: clinical testing. Allele origin: germline.

GeneDx
Classification: Uncertain significance. Last evaluated: 2023-10-24. Review status: criteria provided, single submitter. Criteria: GeneDx Variant Classification Process June 2021. Collection method: clinical testing. Allele origin: germline. Affected: yes.
Comment: In silico analysis supports that this missense variant has a deleterious effect on protein structure/function; Has not been previously published as pathogenic or benign to our knowledge

Baylor Genetics
Classification: Uncertain significance for Basal cell carcinoma, susceptibility to, 1. Last evaluated: 2023-05-18. Review status: criteria provided, single submitter. Criteria: ACMG Guidelines, 2015. Collection method: clinical testing. Allele origin: unknown.

Ambry Genetics
Classification: Likely benign for Hereditary cancer-predisposing syndrome. Last evaluated: 2023-04-20. Review status: criteria provided, single submitter. Criteria: Ambry Variant Classification Scheme 2023. Collection method: clinical testing. Allele origin: germline.